The following is an entry in ClinVar:

ClinVar aggregate classification (germline): Pathogenic. Review status: criteria provided, multiple submitters, no conflicts (2 of 4 stars). 2 submissions from 2 submitters: Pathogenic (2). Last evaluated 2026-02-23.

Conditions:
Familial thoracic aortic aneurysm and aortic dissection (TAAD). Also called: Thoracic aortic aneurysms and dissections. Identifiers: Orphanet 91387, MedGen C4707243, MONDO:0019625.

Submissions (2):

GeneDx
Classification: Pathogenic. Last evaluated: 2026-02-23. Review status: criteria provided, single submitter. Criteria: GeneDx Variant Classification Process June 2021. Collection method: clinical testing. Allele origin: germline.
Comment: Has not been previously published as pathogenic or benign to our knowledge; Not observed at significant frequency in large population cohorts (gnomAD); Nonsense variant predicted to result in protein truncation or nonsense mediated decay in a gene for which loss of function is a known mechanism of disease

Labcorp Genetics (formerly Invitae), Labcorp
Classification: Pathogenic for Familial thoracic aortic aneurysm and aortic dissection. Last evaluated: 2022-09-23. Review status: criteria provided, single submitter. Criteria: Invitae Variant Classification Sherloc (09022015). Collection method: clinical testing. Allele origin: germline.
Comment: For these reasons, this variant has been classified as Pathogenic. ClinVar contains an entry for this variant (Variation ID: 1395868). This variant has not been reported in the literature in individuals affected with SMAD3-related conditions. This variant is not present in population databases (gnomAD no frequency). This sequence change creates a premature translational stop signal (p.Trp94*) in the SMAD3 gene. It is expected to result in an absent or disrupted protein product. Loss-of-function variants in SMAD3 are known to be pathogenic (PMID: 21778426, 24804794).

Literature cited by the submitters: PubMed 21778426 (cited by Labcorp Genetics (formerly Invitae), Labcorp); PubMed 24804794 (cited by Labcorp Genetics (formerly Invitae), Labcorp).

NM_005902.4(SMAD3):c.281G>A (p.Trp94Ter)

Gene: SMAD3 (SMAD family member 3; plus strand). Cytogenetic location: 15q22.33.
Variant type: single nucleotide variant.
Coding change: c.281G>A on transcript NM_005902.4 (MANE Select); coding-DNA position 281, G replaced by A.
Protein change: p.Trp94Ter; replaces tryptophan 94 with a stop codon.
Molecular consequence: nonsense. On other transcripts: 5 prime UTR variant (1).
Genome position (GRCh38, 1-based): chr15:67,164,969, G>A. VCF-style: chr15-67164969-G-A. GRCh37 (hg19) VCF-style: chr15-67457307-G-A.
Other names: c.281G>A (NM_005902.3); c.-35G>A (NM_001145102.2); c.149G>A, p.Trp50Ter (NM_001145103.2); short protein forms W50*, W94*.
Identifiers: ClinVar variation 1395868 (VCV001395868.7), dbSNP rs1057518977, ClinGen allele CA392953913.